The following is an entry in ClinVar:

ClinVar aggregate classification (germline): Uncertain significance (1 of 4 stars; one submission).

Submission:

Labcorp Genetics (formerly Invitae), Labcorp
Classification: Uncertain significance. Last evaluated: 2022-08-09. Review status: criteria provided, single submitter. Criteria: Invitae Variant Classification Sherloc (09022015). Collection method: clinical testing. Allele origin: germline.
Comment: In summary, the available evidence is currently insufficient to determine the role of this variant in disease. Therefore, it has been classified as a Variant of Uncertain Significance. Algorithms developed to predict the effect of missense changes on protein structure and function are either unavailable or do not agree on the potential impact of this missense change (SIFT: "Deleterious"; PolyPhen-2: "Probably Damaging"; Align-GVGD: "Class C0"). This variant has not been reported in the literature in individuals affected with PGAP3-related conditions. This variant is not present in population databases (gnomAD no frequency). This sequence change replaces proline, which is neutral and non-polar, with arginine, which is basic and polar, at codon 95 of the PGAP3 protein (p.Pro95Arg).

NM_033419.5(PGAP3):c.284C>G (p.Pro95Arg)

Gene: PGAP3 (post-GPI attachment to proteins phospholipase 3; minus strand). Cytogenetic location: 17q12.
Variant type: single nucleotide variant.
Coding change: c.284C>G on transcript NM_033419.5 (MANE Select); coding-DNA position 284, C replaced by G.
Protein change: p.Pro95Arg; replaces proline 95 with arginine.
Molecular consequence: missense variant. On other transcripts: intron variant (1).
Genome position (GRCh38, 1-based): chr17:39,684,745, G>C on the plus strand (C>G on the coding strand, the complement: PGAP3 is on the minus strand). VCF-style: chr17-39684745-G-C. GRCh37 (hg19) VCF-style: chr17-37840998-G-C.
Other names: c.284C>G, p.Pro95Arg (NM_001291728.2, NM_001291730.2, NM_001291732.2 and 1 more transcripts); c.279+1177C>G (NM_001291726.2); short protein forms P95R.
Identifiers: ClinVar variation 1974344 (VCV001974344.5), dbSNP rs1374285413, ClinGen allele CA399261048.